The following is an entry in ClinVar:

ClinVar aggregate classification (germline): Benign. Review status: criteria provided, single submitter (1 of 4 stars). 2 submissions from 2 submitters: Benign (1). 1 of the submissions does not count toward it. Last evaluated 2018-07-23.

Conditions:
PHF3-related disorder. Also called: PHF3-related condition.

Allele frequency attached by ClinVar (database versions not stated): gnomAD exomes 0.00109 and 0.00318; ExAC 0.00380; gnomAD 0.01202 and 0.01283; 1000 Genomes Project 30x 0.01280; ESP Exome Variant Server 0.01315; 1000 Genomes Project 0.01358; TOPMed 0.01414.
gnomAD v4.1: 3,498 of 1,600,956 alleles (0.22%); highest among the groups gnomAD compares: African/African-American, 4.1%; 52 homozygotes.

Submissions (2):

Labcorp Genetics (formerly Invitae), Labcorp
Classification: Benign. Last evaluated: 2018-07-23. Review status: criteria provided, single submitter. Criteria: Invitae Variant Classification Sherloc (09022015). Collection method: clinical testing. Allele origin: germline.

PreventionGenetics, part of Exact Sciences
Classification: Benign for PHF3-related condition. Last evaluated: 2019-08-09. Review status: no assertion criteria provided. Collection method: clinical testing. Allele origin: germline. Not counted in ClinVar's aggregate classification.
Comment: This variant is classified as benign based on ACMG/AMP sequence variant interpretation guidelines (Richards et al. 2015 PMID: 25741868, with internal and published modifications).

NM_001370348.2(PHF3):c.3232-6C>T

Gene: PHF3 (PHD finger protein 3; plus strand). Cytogenetic location: 6q12.
Variant type: single nucleotide variant.
Coding change: c.3232-6C>T on transcript NM_001370348.2 (MANE Select); 6 bases into the intron before coding-DNA position 3232, C replaced by T.
Molecular consequence: intron variant.
Genome position (GRCh38, 1-based): chr6:63,703,530, C>T. VCF-style: chr6-63703530-C-T. GRCh37 (hg19) VCF-style: chr6-64413420-C-T.
Other names: c.2968-6C>T (NM_001290259.2, NM_001370349.2); c.1039-6C>T (NM_001370350.2); c.3232-6C>T (NM_015153.4).
Identifiers: ClinVar variation 711443 (VCV000711443.5), dbSNP rs116473267, ClinGen allele CA3876099.